The following is an entry in ClinVar:

NM_016341.4(PLCE1):c.3492G>A (p.Thr1164=)

Gene: PLCE1 (phospholipase C epsilon 1; plus strand). Cytogenetic location: 10q23.33.
Variant type: single nucleotide variant.
Coding change: c.3492G>A on transcript NM_016341.4 (MANE Select); coding-DNA position 3492, G replaced by A.
Protein change: p.Thr1164=; no amino-acid change (threonine 1164 retained).
Molecular consequence: synonymous variant.
Genome position (GRCh38, 1-based): chr10:94,254,987, G>A. VCF-style: chr10-94254987-G-A. GRCh37 (hg19) VCF-style: chr10-96014744-G-A.
Other names: c.2568G>A, p.Thr856= (NM_001165979.2); c.3492G>A, p.Thr1164= (NM_001288989.2).
Identifiers: ClinVar variation 1712480 (VCV001712480.5), dbSNP rs374582653, ClinGen allele CA5612888.
Genomic context (GRCh38, chr10:94,254,987, plus strand): 5'-CCCTTCCAGAAGAGCCCACTCTTTGACCACAGCTGGGTCCCCCAACTTGGCTGCCGGGAC[G>A]TCATCTCCCATCAGGCCAGTGTCCTCCCCTGTGCTGTCTTCTTCAAACAAGAGCCCATCC-3'
Protein context (NP_057425.3, residues 1154-1174): TAGSPNLAAG[Thr1164=]SSPIRPVSSP

ClinVar aggregate classification (germline): Likely benign. Review status: criteria provided, multiple submitters, no conflicts (2 of 4 stars). 3 submissions from 3 submitters: Likely benign (2). 1 of the submissions does not count toward it. Last evaluated 2025-12-13.

Conditions:
PLCE1-related disorder. Also called: PLCE1-related condition.
Kidney disorder. Also called: renal disorder; renal disease; Nephropathy; Kidney Diseases; Kidney disease. Identifiers: MedGen C0022658, MONDO:0005240, HP:0000112.

Allele frequency attached by ClinVar (database versions not stated): ExAC 0.00005; gnomAD 0.00005; TOPMed 0.00008; ESP Exome Variant Server 0.00016.
gnomAD v4.1: 91 of 1,613,952 alleles (0.0056%); highest among the groups gnomAD compares: Admixed American, 0.013%; no homozygotes.

Submissions (3):

Labcorp Genetics (formerly Invitae), Labcorp
Classification: Likely benign. Last evaluated: 2025-12-13. Review status: criteria provided, single submitter. Criteria: Invitae Variant Classification Sherloc (09022015). Collection method: clinical testing. Allele origin: germline.

Genome Diagnostics Laboratory, The Hospital for Sick Children
Classification: Likely benign for Kidney disorder. Last evaluated: 2017-04-03. Review status: criteria provided, single submitter. Criteria: ACMG Guidelines, 2015. Collection method: clinical testing. Allele origin: germline.

PreventionGenetics, part of Exact Sciences
Classification: Likely benign for PLCE1-related condition. Last evaluated: 2024-02-08. Review status: no assertion criteria provided. Collection method: clinical testing. Allele origin: germline. Not counted in ClinVar's aggregate classification.
Comment: This variant is classified as likely benign based on ACMG/AMP sequence variant interpretation guidelines (Richards et al. 2015 PMID: 25741868, with internal and published modifications).